The following is an entry in ClinVar:

ClinVar aggregate classification (germline): Likely pathogenic. Review status: criteria provided, single submitter (1 of 4 stars). 2 submissions from 2 submitters: Likely pathogenic (1). 1 of the submissions does not count toward it. Last evaluated 2022-06-22.

Conditions:
Gastric cancer. Also called: Malignant tumor of stomach; Stomach cancer. Identifiers: MedGen C0024623, MeSH D013274, MONDO:0001056, OMIM 613659, HP:0012126.
Ataxia-telangiectasia syndrome (AT). Also called: LOUIS-BAR SYNDROME; Ataxia telangiectasia (A-T); Ataxia-telangiectasia, complementation group E; Cerebello-oculocutaneous telangiectasia; Immunodeficiency with ataxia telangiectasia; Ataxia-telangiectasia, complementation group D. Identifiers: Orphanet 100, MedGen C0004135, MONDO:0008840, OMIM 208900.

Submissions (2):

Labcorp Genetics (formerly Invitae), Labcorp
Classification: Likely pathogenic for Ataxia-telangiectasia syndrome. Last evaluated: 2022-06-22. Review status: criteria provided, single submitter. Criteria: Invitae Variant Classification Sherloc (09022015). Collection method: clinical testing. Allele origin: germline.
Comment: This sequence change affects a donor splice site in intron 9 of the ATM gene. It is expected to disrupt RNA splicing. Variants that disrupt the donor or acceptor splice site typically lead to a loss of protein function (PMID: 16199547), and loss-of-function variants in ATM are known to be pathogenic (PMID: 23807571, 25614872). This variant is not present in population databases (gnomAD no frequency). This variant has not been reported in the literature in individuals affected with ATM-related conditions. Algorithms developed to predict the effect of sequence changes on RNA splicing suggest that this variant may disrupt the consensus splice site. In summary, the currently available evidence indicates that the variant is pathogenic, but additional data are needed to prove that conclusively. Therefore, this variant has been classified as Likely Pathogenic.

Laboratory for Genotyping Development, RIKEN
Classification: Pathogenic for Gastric cancer. Last evaluated: 2021-07-01. Review status: no assertion criteria provided. Collection method: research. Allele origin: germline. Not counted in ClinVar's aggregate classification.

Literature cited by the submitters: PubMed 16199547 (cited by Labcorp Genetics (formerly Invitae), Labcorp); PubMed 23807571 (cited by Labcorp Genetics (formerly Invitae), Labcorp); PubMed 25614872 (cited by Labcorp Genetics (formerly Invitae), Labcorp); PubMed 36988593 (cited by Laboratory for Genotyping Development, RIKEN).

NM_000051.4(ATM):c.1235+2T>C

Gene: ATM (ATM serine/threonine kinase; plus strand). Cytogenetic location: 11q22.3.
Variant type: single nucleotide variant.
Coding change: c.1235+2T>C on transcript NM_000051.4 (MANE Select); the canonical splice donor site of the intron after coding-DNA position 1235, T replaced by C.
Molecular consequence: splice donor variant.
Genome position (GRCh38, 1-based): chr11:108,249,104, T>C. VCF-style: chr11-108249104-T-C. GRCh37 (hg19) VCF-style: chr11-108119831-T-C.
Other names: c.1235+2T>C (NM_001351834.2).
Identifiers: ClinVar variation 1473119 (VCV001473119.24), dbSNP rs2135296157, ClinGen allele CA382532671.